The following is an entry in ClinVar:

NM_001281740.3(FHOD3):c.2570A>T (p.Asn857Ile)

Gene: FHOD3 (formin homology 2 domain containing 3; plus strand). Cytogenetic location: 18q12.2.
Variant type: single nucleotide variant.
Coding change: c.2570A>T on transcript NM_001281740.3 (MANE Select); coding-DNA position 2570, A replaced by T.
Protein change: p.Asn857Ile; replaces asparagine 857 with isoleucine.
Molecular consequence: missense variant.
Genome position (GRCh38, 1-based): chr18:36,717,868, A>T. VCF-style: chr18-36717868-A-T. GRCh37 (hg19) VCF-style: chr18-34297831-A-T.
Other names: c.1994A>T, p.Asn665Ile (NM_001281739.3); c.2045A>T, p.Asn682Ile (NM_025135.5); short protein forms N665I, N682I, N857I.
Identifiers: ClinVar variation 4536595 (VCV004536595.1).

ClinVar aggregate classification (germline): Uncertain significance (1 of 4 stars; one submission).

Submission:

GeneDx
Classification: Uncertain significance. Last evaluated: 2025-06-06. Review status: criteria provided, single submitter. Criteria: GeneDx Variant Classification Process June 2021. Collection method: clinical testing. Allele origin: germline. Affected: yes.
Comment: Not observed at significant frequency in large population cohorts (gnomAD); In silico analysis supports that this missense variant has a deleterious effect on protein structure/function; Has not been previously published as pathogenic or benign to our knowledge